The following is an entry in ClinVar:

ClinVar aggregate classification (germline): Uncertain significance. Review status: criteria provided, multiple submitters, no conflicts (2 of 4 stars). 2 submissions from 2 submitters: Uncertain significance (2). Last evaluated 2023-04-12.

Conditions:
Autosomal recessive distal spinal muscular atrophy 1. Also called: NEURONOPATHY, DISTAL HEREDITARY MOTOR, HARDING TYPE VI; NEUROPATHY, DISTAL HEREDITARY MOTOR, AUTOSOMAL RECESSIVE 1; HMN VI; Spinal muscular atrophy with respiratory distress 1; NEURONOPATHY, SEVERE INFANTILE AXONAL, WITH RESPIRATORY FAILURE; SEVERE INFANTILE AXONAL NEUROPATHY WITH RESPIRATORY FAILURE. Identifiers: Orphanet 98920, MedGen C1858517, MONDO:0011436, OMIM 604320.
Charcot-Marie-Tooth disease axonal type 2S. Also called: CHARCOT-MARIE-TOOTH NEUROPATHY, TYPE 2S; CHARCOT-MARIE-TOOTH DISEASE, AXONAL, AUTOSOMAL RECESSIVE, TYPE 2S. Identifiers: Orphanet 443073, MedGen C4015349, MONDO:0014511, OMIM 616155.

Allele frequency attached by ClinVar (database versions not stated): gnomAD exomes 0.00001.
gnomAD v4.1: 11 of 1,614,124 alleles (0.00068%); highest among the groups gnomAD compares: Non-Finnish European, 0.00093%; no homozygotes.

Submissions (2):

Blueprint Genetics
Classification: Uncertain significance. Last evaluated: 2023-04-12. Review status: criteria provided, single submitter. Criteria: ACMG Guidelines, 2015. Collection method: clinical testing. Allele origin: germline.

Labcorp Genetics (formerly Invitae), Labcorp
Classification: Uncertain significance for Autosomal recessive distal spinal muscular atrophy 1; Charcot-Marie-Tooth disease axonal type 2S. Last evaluated: 2021-09-01. Review status: criteria provided, single submitter. Criteria: Invitae Variant Classification Sherloc (09022015). Collection method: clinical testing. Allele origin: germline.
Comment: This sequence change replaces phenylalanine with cysteine at codon 579 of the IGHMBP2 protein (p.Phe579Cys). The phenylalanine residue is moderately conserved and there is a large physicochemical difference between phenylalanine and cysteine. This variant is not present in population databases (ExAC no frequency). This variant has not been reported in the literature in individuals affected with IGHMBP2-related conditions. Algorithms developed to predict the effect of missense changes on protein structure and function are either unavailable or do not agree on the potential impact of this missense change (SIFT: "Deleterious"; PolyPhen-2: "Probably Damaging"; Align-GVGD: "Class C0"). In summary, the available evidence is currently insufficient to determine the role of this variant in disease. Therefore, it has been classified as a Variant of Uncertain Significance.

NM_002180.3(IGHMBP2):c.1736T>G (p.Phe579Cys)

Gene: IGHMBP2 (immunoglobulin mu DNA binding protein 2; plus strand). Cytogenetic location: 11q13.3.
Variant type: single nucleotide variant.
Coding change: c.1736T>G on transcript NM_002180.3 (MANE Select); coding-DNA position 1736, T replaced by G.
Protein change: p.Phe579Cys; replaces phenylalanine 579 with cysteine.
Molecular consequence: missense variant.
Genome position (GRCh38, 1-based): chr11:68,935,402, T>G. VCF-style: chr11-68935402-T-G. GRCh37 (hg19) VCF-style: chr11-68702870-T-G.
Other names: short protein forms F579C.
Identifiers: ClinVar variation 572653 (VCV000572653.8), dbSNP rs1566445212, ClinGen allele CA381651299.